The following is an entry in ClinVar:

ClinVar aggregate classification (germline): Uncertain significance (1 of 4 stars; one submission).

Allele frequency attached by ClinVar (database versions not stated): gnomAD exomes below 0.00001; TOPMed below 0.00001.
gnomAD v4.1: 1 of 1,608,100 alleles (0.000062%); highest among the groups gnomAD compares: East Asian, 0.0022%; no homozygotes.

Submission:

Labcorp Genetics (formerly Invitae), Labcorp
Classification: Uncertain significance. Last evaluated: 2022-05-09. Review status: criteria provided, single submitter. Criteria: Invitae Variant Classification Sherloc (09022015). Collection method: clinical testing. Allele origin: germline.
Comment: This sequence change falls in intron 32 of the POLE gene. It does not directly change the encoded amino acid sequence of the POLE protein. This variant is not present in population databases (gnomAD no frequency). In summary, the available evidence is currently insufficient to determine the role of this variant in disease. Therefore, it has been classified as a Variant of Uncertain Significance. Algorithms developed to predict the effect of sequence changes on RNA splicing suggest that this variant may disrupt the consensus splice site. This variant has not been reported in the literature in individuals affected with POLE-related conditions.

NM_006231.4(POLE):c.4150-20C>T

Gene: POLE (DNA polymerase epsilon, catalytic subunit; minus strand). Cytogenetic location: 12q24.33.
Variant type: single nucleotide variant.
Coding change: c.4150-20C>T on transcript NM_006231.4 (MANE Select); 20 bases into the intron before coding-DNA position 4150, C replaced by T.
Molecular consequence: intron variant.
Genome position (GRCh38, 1-based): chr12:132,643,997, G>A on the plus strand (C>T on the coding strand, the complement: POLE is on the minus strand). VCF-style: chr12-132643997-G-A. GRCh37 (hg19) VCF-style: chr12-133220583-G-A.
Identifiers: ClinVar variation 2177460 (VCV002177460.4), dbSNP rs1193841128, ClinGen allele CA685540133.